The following is an entry in ClinVar:

NM_005359.6(SMAD4):c.1018A>G (p.Lys340Glu)

Gene: SMAD4 (SMAD family member 4; plus strand). Cytogenetic location: 18q21.2.
Variant type: single nucleotide variant.
Coding change: c.1018A>G on transcript NM_005359.6 (MANE Select); coding-DNA position 1018, A replaced by G.
Protein change: p.Lys340Glu; replaces lysine 340 with glutamic acid.
Molecular consequence: missense variant.
Genome position (GRCh38, 1-based): chr18:51,065,485, A>G. VCF-style: chr18-51065485-A-G. GRCh37 (hg19) VCF-style: chr18-48591855-A-G.
Other names: short protein forms K340E.
Identifiers: ClinVar variation 656791 (VCV000656791.10), dbSNP rs1599195392, ClinGen allele CA402464216.
Genomic context (GRCh38, chr18:51,065,485, plus strand): 5'-CCTGAGTATTGGTGTTCCATTGCTTACTTTGAAATGGATGTTCAGGTAGGAGAGACATTT[A>G]AGGTTCCTTCAAGCTGCCCTATTGTTACTGTTGATGGATACGTGGACCCTTCTGGAGGAG-3'
Protein context (NP_005350.1, residues 330-350): EMDVQVGETF[Lys340Glu]VPSSCPIVTV

ClinVar aggregate classification (germline): Uncertain significance (1 of 4 stars; one submission).

Conditions:
Juvenile polyposis syndrome (JPS). Identifiers: Orphanet 2929, MedGen C0345893, MONDO:0017380, OMIM 174900.

Submission:

Labcorp Genetics (formerly Invitae), Labcorp
Classification: Uncertain significance for Juvenile polyposis syndrome. Last evaluated: 2018-12-21. Review status: criteria provided, single submitter. Criteria: Invitae Variant Classification Sherloc (09022015). Collection method: clinical testing. Allele origin: germline.
Comment: This sequence change replaces lysine with glutamic acid at codon 340 of the SMAD4 protein (p.Lys340Glu). The lysine residue is highly conserved and there is a small physicochemical difference between lysine and glutamic acid. This variant is not present in population databases (ExAC no frequency). This variant has not been reported in the literature in individuals with SMAD4-related conditions. Algorithms developed to predict the effect of missense changes on protein structure and function are either unavailable or do not agree on the potential impact of this missense change (SIFT: "Deleterious"; PolyPhen-2: "Probably Damaging"; Align-GVGD: "Class C0"). In summary, the available evidence is currently insufficient to determine the role of this variant in disease. Therefore, it has been classified as a Variant of Uncertain Significance.